The following is an entry in ClinVar:

ClinVar aggregate classification (germline): Conflicting classifications of pathogenicity. Review status: criteria provided, conflicting classifications (1 of 4 stars). 3 submissions from 3 submitters: Uncertain significance (1); Likely benign (2). Last evaluated 2026-06-18.

Conditions:
Hereditary cancer-predisposing syndrome. Also called: Neoplastic Syndromes, Hereditary; Tumor predisposition; Hereditary Cancer Syndrome; Hereditary neoplastic syndrome. Identifiers: Orphanet 140162, MedGen C0027672, MeSH D009386, MONDO:0015356.
Retinoblastoma (RB1). Also called: RETINOBLASTOMA, SOMATIC. Identifiers: Orphanet 790, MedGen C0035335, MeSH D012175, MONDO:0008380, OMIM 180200, HP:0009919. Disease mechanism: loss of function. Inheritance: Both sporadic and heritable forms are tested..

Allele frequency attached by ClinVar (database versions not stated): gnomAD exomes below 0.00001.
gnomAD v4.1: 1 of 1,555,988 alleles (0.000064%); highest among the groups gnomAD compares: East Asian, 0.0023%; no homozygotes.

Submissions (3):

Myriad Genetics, Inc.
Classification: Likely benign for Retinoblastoma. Last evaluated: 2026-06-18. Review status: criteria provided, single submitter. Criteria: Myriad Autosomal Dominant, Autosomal Recessive and X-Linked Classification Criteria (2023). Collection method: clinical testing. Allele origin: unknown.
Comment: This variant is considered likely benign. This variant is intronic and is not expected to impact mRNA splicing.

Labcorp Genetics (formerly Invitae), Labcorp
Classification: Likely benign for Retinoblastoma. Last evaluated: 2025-10-07. Review status: criteria provided, single submitter. Criteria: Invitae Variant Classification Sherloc (09022015). Collection method: clinical testing. Allele origin: germline.

Ambry Genetics
Classification: Uncertain significance for Hereditary cancer-predisposing syndrome. Last evaluated: 2025-06-23. Review status: criteria provided, single submitter. Criteria: Ambry Variant Classification Scheme 2023. Collection method: clinical testing. Allele origin: germline.
Comment: The c.1128-5T>C intronic variant results from a T to C substitution 5 nucleotides upstream from coding exon 12 in the RB1 gene. This nucleotide position is highly conserved in available vertebrate species. In silico splice site analysis predicts that this alteration will not have any significant effect on splicing. Based on the available evidence, the clinical significance of this variant remains unclear.

NM_000321.3(RB1):c.1128-5T>C

Gene: RB1 (RB transcriptional corepressor 1; plus strand). Cytogenetic location: 13q14.2.
Variant type: single nucleotide variant.
Coding change: c.1128-5T>C on transcript NM_000321.3 (MANE Select); 5 bases into the intron before coding-DNA position 1128, T replaced by C.
Molecular consequence: intron variant.
Genome position (GRCh38, 1-based): chr13:48,373,400, T>C. VCF-style: chr13-48373400-T-C. GRCh37 (hg19) VCF-style: chr13-48947536-T-C.
Other names: c.1128-5T>C (NM_000321.2).
Identifiers: ClinVar variation 1116694 (VCV001116694.11), dbSNP rs2138130820, ClinGen allele CA2499222443.